The following is an entry in ClinVar:

ClinVar aggregate classification (germline): Uncertain significance (1 of 4 stars; one submission).

Allele frequency attached by ClinVar (database versions not stated): gnomAD exomes below 0.00001.
gnomAD v4.1: 1 of 1,613,136 alleles (0.000062%); highest among the groups gnomAD compares: Non-Finnish European, 0.000085%; no homozygotes.

Submission:

GeneDx
Classification: Uncertain significance. Last evaluated: 2023-04-24. Review status: criteria provided, single submitter. Criteria: GeneDx Variant Classification Process June 2021. Collection method: clinical testing. Allele origin: germline. Affected: yes.
Comment: Nonsense variant predicted to result in protein truncation or nonsense mediated decay in a gene or region of a gene for which loss of function is not a well-established mechanism of disease; Not observed at significant frequency in large population cohorts (gnomAD); Has not been previously published as pathogenic or benign to our knowledge

NM_001042475.3(CEP85L):c.148C>T (p.Arg50Ter)

Gene: CEP85L (centrosomal protein 85 like; minus strand). Cytogenetic location: 6q22.31.
Variant type: single nucleotide variant.
Coding change: c.148C>T on transcript NM_001042475.3 (MANE Select); coding-DNA position 148, C replaced by T.
Protein change: p.Arg50Ter; replaces arginine 50 with a stop codon.
Molecular consequence: nonsense.
Genome position (GRCh38, 1-based): chr6:118,632,537, G>A on the plus strand (C>T on the coding strand, the complement: CEP85L is on the minus strand). VCF-style: chr6-118632537-G-A. GRCh37 (hg19) VCF-style: chr6-118953700-G-A.
Other names: c.157C>T, p.Arg53Ter (NM_001178035.2); c.148C>T, p.Arg50Ter (NM_206921.3); short protein forms R50*, R53*.
Identifiers: ClinVar variation 2429536 (VCV002429536.2), dbSNP rs1774231777, ClinGen allele CA365547364.